The following is an entry in ClinVar:

NM_000228.3(LAMB3):c.947G>A (p.Cys316Tyr)

Gene: LAMB3 (laminin subunit beta 3; minus strand). Cytogenetic location: 1q32.2.
Variant type: single nucleotide variant.
Coding change: c.947G>A on transcript NM_000228.3 (MANE Select); coding-DNA position 947, G replaced by A.
Protein change: p.Cys316Tyr; replaces cysteine 316 with tyrosine.
Molecular consequence: missense variant.
Genome position (GRCh38, 1-based): chr1:209,629,922, C>T on the plus strand (G>A on the coding strand, the complement: LAMB3 is on the minus strand). VCF-style: chr1-209629922-C-T. GRCh37 (hg19) VCF-style: chr1-209803267-C-T.
Other names: c.947G>A, p.Cys316Tyr (NM_001017402.2, NM_001127641.1); c.947G>A (NM_001017402.1); short protein forms C316Y.
Identifiers: ClinVar variation 495739 (VCV000495739.5), dbSNP rs1553277738, ClinGen allele CA344593040.

ClinVar aggregate classification (germline): Uncertain significance. Review status: criteria provided, multiple submitters, no conflicts (2 of 4 stars). 3 submissions from 3 submitters: Uncertain significance (2). 1 of the submissions does not count toward it. Last evaluated 2026-05-08.

Conditions:
Junctional epidermolysis bullosa, non-Herlitz type. Also called: COL17A1-Related Junctional Epidermolysis Bullosa; Epidermolysis bullosa, junctional, non-herlitz type, somatic mosaic revertant; EPIDERMOLYSIS BULLOSA JUNCTIONALIS, DISENTIS TYPE; EPIDERMOLYSIS BULLOSA JUNCTIONALIS, NON-HERLITZ TYPE; EPIDERMOLYSIS BULLOSA JUNCTIONALIS, PROGRESSIVE; EPIDERMOLYSIS BULLOSA JUNCTIONALIS, SEVERE NONLETHAL. Identifiers: Orphanet 251393, Orphanet 79402, Orphanet 79405, Orphanet 89840, MedGen C0268374, MONDO:0009180, OMIM 226650.

Allele frequency attached by ClinVar (database versions not stated): gnomAD exomes below 0.00001.

Submissions (3):

Women's Health and Genetics/Laboratory Corporation of America, LabCorp
Classification: Uncertain significance. Last evaluated: 2026-05-08. Review status: criteria provided, single submitter. Criteria: LabCorp Variant Classification Summary - May 2015. Collection method: clinical testing. Allele origin: germline.
Comment: Variant summary: LAMB3 c.947G>A (p.Cys316Tyr) results in a non-conservative amino acid change in the encoded protein sequence. Algorithms developed to predict the effect of missense changes on protein structure and function all suggest that this variant is likely to be disruptive. The variant was absent in 251148 control chromosomes. c.947G>A has been observed in a homozygous state in an individual affected with Junctional Epidermolysis Bullosa (Suvarnakar_2025). These data indicate that the variant may be associated with disease. To our knowledge, no experimental evidence demonstrating an impact on protein function has been reported. The following publication has been ascertained in the context of this evaluation (PMID: 39420565). ClinVar contains an entry for this variant (Variation ID: 495739). Based on the evidence outlined above, the variant was classified as VUS-possibly pathogenic.

Neuberg Centre For Genomic Medicine, NCGM
Classification: Uncertain significance for Junctional epidermolysis bullosa, non-Herlitz type. Review status: criteria provided, single submitter. Criteria: ACMG Guidelines, 2015. Collection method: clinical testing. Allele origin: germline. Inheritance: Autosomal recessive inheritance. Affected: yes.
Comment: The missense c.947G>A(p.Cys316Tyr) variant in LAMB3 gene has been submitted to ClinVar as a Variant of Uncertain Significance, but no details are available for independent assessment. It has not been reported in affected individuals. The p.Cys316Tyr variant is novel (not in any individuals) in gnomAD Exomes and 1000 Genomes. The amino acid Cys at position 316 is changed to a Tyr changing protein sequence and it might alter its composition and physico-chemical properties. The variant is predicted to be damaging by both SIFT and PolyPhen2. The residue is conserved across species. The amino acid change p.Cys316Tyr in LAMB3 is predicted as conserved by GERP++ and PhyloP across 100 vertebrates. For these reasons, this variant has been classified as Uncertain Significance.

Institute of Human Genetics, University of Ulm
Classification: Likely pathogenic for Junctional epidermolysis bullosa, non-Herlitz type. Last evaluated: 2022-06-14. Review status: no assertion criteria provided. Collection method: research. Allele origin: germline. Inheritance: Autosomal recessive inheritance. Affected: yes. Observed: 2 variant alleles, 2 homozygotes. Not counted in ClinVar's aggregate classification.

Literature cited by the submitters: PubMed 39420565 (cited by Women's Health and Genetics/Laboratory Corporation of America, LabCorp).